The following is an entry in ClinVar:

ClinVar aggregate classification (germline): Conflicting classifications of pathogenicity. Review status: criteria provided, conflicting classifications (1 of 4 stars). 5 submissions from 5 submitters: Uncertain significance (4); Likely benign (1). Last evaluated 2026-07-17.

Conditions:
CP-related disorder. Also called: CP-related condition.
Deficiency of ferroxidase (ACEP). Also called: NEURODEGENERATION WITH BRAIN IRON ACCUMULATION 10; Deficiency of ceruloplasmin; Aceruloplasminemia; Ceruloplasmin deficiency; Familial apoceruloplasmin deficiency; Hereditary ceruloplasmin deficiency. Identifiers: Orphanet 48818, MedGen C0878682, MONDO:0011426, OMIM 604290, HP:0025498.

Allele frequency attached by ClinVar (database versions not stated): TOPMed 0.00008; ExAC 0.00010; gnomAD exomes 0.00010 and 0.00011; gnomAD 0.00011; ESP Exome Variant Server 0.00015.
gnomAD v4.1: 163 of 1,613,688 alleles (0.01%); highest among the groups gnomAD compares: Non-Finnish European, 0.014%; no homozygotes.

Submissions (8):

PreventionGenetics, part of Exact Sciences
Classification: Uncertain significance for CP-related condition. Last evaluated: 2026-07-17. Review status: criteria provided, single submitter. Criteria: ACMG Guidelines, 2015. Collection method: clinical testing. Allele origin: germline.
Comment: The CP c.782-3C>T variant is predicted to interfere with splicing. To our knowledge, this variant has not been reported in the literature. This variant is reported in 0.023% of alleles in individuals of European (Non-Finnish) descent in gnomAD. At this time, the clinical significance of this variant is uncertain due to the absence of conclusive functional and genetic evidence.

Mayo Clinic Laboratories, Mayo Clinic
Classification: Likely benign. Last evaluated: 2025-10-30. Review status: criteria provided, single submitter. Criteria: ACMG Guidelines, 2015. Collection method: clinical testing. Allele origin: germline. Observed: 4 variant alleles.
Comment: BP4, BP7

Labcorp Genetics (formerly Invitae), Labcorp
Classification: Uncertain significance for Deficiency of ferroxidase. Last evaluated: 2024-11-07. Review status: criteria provided, single submitter. Criteria: Invitae Variant Classification Sherloc (09022015). Collection method: clinical testing. Allele origin: germline.
Comment: This sequence change falls in intron 4 of the CP gene. It does not directly change the encoded amino acid sequence of the CP protein. It affects a nucleotide within the consensus splice site. This variant is present in population databases (rs375191868, gnomAD 0.02%). This variant has not been reported in the literature in individuals affected with CP-related conditions. ClinVar contains an entry for this variant (Variation ID: 902593). Variants that disrupt the consensus splice site are a relatively common cause of aberrant splicing (PMID: 17576681, 9536098). Algorithms developed to predict the effect of sequence changes on RNA splicing suggest that this variant is not likely to affect RNA splicing. In summary, the available evidence is currently insufficient to determine the role of this variant in disease. Therefore, it has been classified as a Variant of Uncertain Significance.

Department of Pathology and Laboratory Medicine, Sinai Health System
Classification: Uncertain significance for Deficiency of ferroxidase. Last evaluated: 2023-04-03. Review status: criteria provided, single submitter. Criteria: ACMG Guidelines, 2015. Collection method: research. Allele origin: germline.

Illumina Laboratory Services, Illumina
Classification: Uncertain significance for Deficiency of ferroxidase. Last evaluated: 2018-01-12. Review status: criteria provided, single submitter. Criteria: ICSL Variant Classification Criteria 13 December 2019. Collection method: clinical testing. Allele origin: germline.

Dr. Peter K. Rogan Lab, Western University
No classification provided (evidence only). Condition: Colorectal cancer. Review status: no classification provided. Collection method: in vitro. Allele origin: not applicable. Functional consequence: retained intron. Not counted in ClinVar's aggregate classification.

Dr. Peter K. Rogan Lab, Western University
No classification provided (evidence only). Condition: Cervical cancer. Review status: no classification provided. Collection method: in vitro. Allele origin: not applicable. Functional consequence: retained intron. Not counted in ClinVar's aggregate classification.

Dr. Peter K. Rogan Lab, Western University
No classification provided (evidence only). Condition: Gastric cancer. Review status: no classification provided. Collection method: in vitro. Allele origin: not applicable. Functional consequence: retained intron. Not counted in ClinVar's aggregate classification.

Literature cited by the submitters: PubMed 17576681 (cited by Labcorp Genetics (formerly Invitae), Labcorp); PubMed 9536098 (cited by Labcorp Genetics (formerly Invitae), Labcorp).

NM_000096.4(CP):c.782-3C>T

Gene: CP (ceruloplasmin; minus strand). Cytogenetic location: 3q25.1.
Variant type: single nucleotide variant.
Coding change: c.782-3C>T on transcript NM_000096.4 (MANE Select); 3 bases into the intron before coding-DNA position 782, C replaced by T.
Molecular consequence: intron variant.
Genome position (GRCh38, 1-based): chr3:149,207,620, G>A on the plus strand (C>T on the coding strand, the complement: CP is on the minus strand). VCF-style: chr3-149207620-G-A. GRCh37 (hg19) VCF-style: chr3-148925407-G-A.
Other names: p.?.
Identifiers: ClinVar variation 902593 (VCV000902593.12), dbSNP rs375191868, ClinGen allele CA2661226.